The following is an entry in ClinVar:

NM_004830.4(MED23):c.3566G>T (p.Arg1189Leu)

Gene: MED23 (mediator complex subunit 23; minus strand). Cytogenetic location: 6q23.2.
Variant type: single nucleotide variant.
Coding change: c.3566G>T on transcript NM_004830.4 (MANE Select); coding-DNA position 3566, G replaced by T.
Protein change: p.Arg1189Leu; replaces arginine 1189 with leucine.
Molecular consequence: missense variant.
Genome position (GRCh38, 1-based): chr6:131,591,433, C>A on the plus strand (G>T on the coding strand, the complement: MED23 is on the minus strand). VCF-style: chr6-131591433-C-A. GRCh37 (hg19) VCF-style: chr6-131912573-C-A.
Other names: c.3566G>T, p.Arg1189Leu (NM_001270521.2, NM_001270522.2); c.3584G>T, p.Arg1195Leu (NM_001376517.1, NM_015979.4); c.3512G>T, p.Arg1171Leu (NM_001376518.1); c.3428G>T, p.Arg1143Leu (NM_001376519.1, NM_001376521.1); c.3425G>T, p.Arg1142Leu (NM_001376520.1); c.3395G>T, p.Arg1132Leu (NM_001376522.1); c.3311G>T, p.Arg1104Leu (NM_001376523.1); c.3179G>T, p.Arg1060Leu (NM_001376524.1); short protein forms R1060L, R1104L, R1143L, R1189L, R1142L, R1195L, R1132L, R1171L.
Identifiers: ClinVar variation 1033382 (VCV001033382.1), dbSNP rs146599947, ClinGen allele CA365658389.

ClinVar aggregate classification (germline): Uncertain significance (1 of 4 stars; one submission).

Conditions:
Intellectual developmental disorder, autosomal recessive 18, with or without epilepsy. Also called: Intellectual disability, autosomal recessive 18. Identifiers: Orphanet 88616, MedGen C3280265, MONDO:0013651, OMIM 614249.

Submission:

Baylor Genetics
Classification: Uncertain significance for Intellectual developmental disorder, autosomal recessive 18, with or without epilepsy. Last evaluated: 2018-11-12. Review status: criteria provided, single submitter. Criteria: ACMG Guidelines, 2015. Collection method: clinical testing. Allele origin: unknown. Affected: yes.
Comment: This variant was determined to be of uncertain significance according to ACMG Guidelines, 2015 [PMID:25741868].